The following is an entry in ClinVar:

NM_000038.6(APC):c.4246G>A (p.Gly1416Ser)

Gene: APC (APC regulator of WNT signaling pathway; plus strand). Cytogenetic location: 5q22.2.
Variant type: single nucleotide variant.
Coding change: c.4246G>A on transcript NM_000038.6 (MANE Select); coding-DNA position 4246, G replaced by A.
Protein change: p.Gly1416Ser; replaces glycine 1416 with serine.
Molecular consequence: missense variant. On other transcripts: non-coding transcript variant (2).
Genome position (GRCh38, 1-based): chr5:112,839,840, G>A. VCF-style: chr5-112839840-G-A. GRCh37 (hg19) VCF-style: chr5-112175537-G-A.
Other names: c.4246G>A, p.Gly1416Ser (NM_001127510.3, NM_001354895.2, NM_001407450.1); c.4192G>A, p.Gly1398Ser (NM_001127511.3); c.4300G>A, p.Gly1434Ser (NM_001354896.2, NM_001407447.1, NM_001407448.1 and 1 more transcripts); c.4276G>A, p.Gly1426Ser (NM_001354897.2); c.4171G>A, p.Gly1391Ser (NM_001354898.2); c.4162G>A, p.Gly1388Ser (NM_001354899.2); c.4123G>A, p.Gly1375Ser (NM_001354900.2); c.4069G>A, p.Gly1357Ser (NM_001354901.2, NM_001407453.1); and 11 more; short protein forms G1032S, G1133S, G1256S, G1287S, G1290S, G1315S, G1325S, G1333S.
Identifiers: ClinVar variation 3075522 (VCV003075522.1), dbSNP rs2149909886, ClinGen allele CA16030634.

ClinVar aggregate classification (germline): Uncertain significance (1 of 4 stars; one submission).

Conditions:
Classic or attenuated familial adenomatous polyposis. Identifiers: MedGen CN372698, MONDO:0021057.

Submission:

All of Us Research Program, National Institutes of Health
Classification: Uncertain significance for Classic or attenuated familial adenomatous polyposis. Last evaluated: 2022-12-07. Review status: criteria provided, single submitter. Criteria: ACMG Guidelines, 2015. Collection method: clinical testing. Allele origin: germline. Inheritance: Autosomal dominant inheritance. Observed: 1 variant allele, 1 heterozygote.
Comment: This missense variant replaces glycine with serine at codon 1416 of the APC protein. Computational prediction is inconclusive regarding the impact of this variant on protein structure and function (internally defined REVEL score threshold 0.5 < inconclusive < 0.7, PMID: 27666373). To our knowledge, functional studies have not been reported for this variant. This variant has not been reported in individuals affected with hereditary cancer in the literature. This variant has not been identified in the general population by the Genome Aggregation Database (gnomAD). The available evidence is insufficient to determine the role of this variant in disease conclusively. Therefore, this variant is classified as a Variant of Uncertain Significance.

This study involves interpretation of variants in research participants for the purpose of population health screening. Participant phenotype was not available at the time of variant classification. Additional details can be found in publication PMID: 35346344, PMCID: PMC8962531